The following is an entry in ClinVar:

NM_004360.5(CDH1):c.1559A>C (p.Lys520Thr)

Gene: CDH1 (cadherin 1; plus strand). Cytogenetic location: 16q22.1.
Variant type: single nucleotide variant.
Coding change: c.1559A>C on transcript NM_004360.5 (MANE Select); coding-DNA position 1559, A replaced by C.
Protein change: p.Lys520Thr; replaces lysine 520 with threonine.
Molecular consequence: missense variant. On other transcripts: 5 prime UTR variant (1).
Genome position (GRCh38, 1-based): chr16:68,815,753, A>C. VCF-style: chr16-68815753-A-C. GRCh37 (hg19) VCF-style: chr16-68849656-A-C.
Other names: c.1376A>C, p.Lys459Thr (NM_001317184.2); c.11A>C, p.Lys4Thr (NM_001317185.2); c.-261A>C (NM_001317186.2); short protein forms K520T, K4T, K459T.
Identifiers: ClinVar variation 628352 (VCV000628352.5), dbSNP rs1567509102, ClinGen allele CA396463669.

ClinVar aggregate classification (germline): Uncertain significance (1 of 4 stars; one submission).

Conditions:
Hereditary cancer-predisposing syndrome. Also called: Neoplastic Syndromes, Hereditary; Tumor predisposition; Hereditary neoplastic syndrome; Hereditary Cancer Syndrome. Identifiers: Orphanet 140162, MedGen C0027672, MeSH D009386, MONDO:0015356.

Submission:

Color Diagnostics, LLC DBA Color Health
Classification: Uncertain significance for Hereditary cancer-predisposing syndrome. Last evaluated: 2023-12-05. Review status: criteria provided, single submitter. Criteria: ACMG Guidelines, 2015. Collection method: clinical testing. Allele origin: germline.
Comment: This missense variant replaces lysine with threonine at codon 520 of the CDH1 protein. To our knowledge, functional studies have not been reported for this variant. This variant has not been reported in individuals affected with CDH1-related disorders in the literature. This variant has not been identified in the general population by the Genome Aggregation Database (gnomAD). The available evidence is insufficient to determine the role of this variant in disease conclusively. Therefore, this variant is classified as a Variant of Uncertain Significance.